The following is an entry in ClinVar:

NM_001283009.2(RTEL1):c.3505T>C (p.Ser1169Pro)

Genes: RTEL1 (regulator of telomere elongation helicase 1; plus strand), RTEL1-TNFRSF6B (RTEL1-TNFRSF6B readthrough (NMD candidate); plus strand). Cytogenetic location: 20q13.33.
Variant type: single nucleotide variant.
Coding change: c.3505T>C on transcript NM_001283009.2 (MANE Select); coding-DNA position 3505, T replaced by C.
Protein change: p.Ser1169Pro; replaces serine 1169 with proline.
Molecular consequence: missense variant. On other transcripts: non-coding transcript variant (1).
Genome position (GRCh38, 1-based): chr20:63,695,333, T>C. VCF-style: chr20-63695333-T-C. GRCh37 (hg19) VCF-style: chr20-62326686-T-C.
Other names: p.Ser1193Pro; c.2836T>C, p.Ser946Pro (NM_001283010.1); c.3505T>C, p.Ser1169Pro (NM_016434.4); c.3577T>C, p.Ser1193Pro (NM_032957.5); short protein forms S946P, S1193P, S1169P.
Identifiers: ClinVar variation 642282 (VCV000642282.18), dbSNP rs143248833, ClinGen allele CA9966098.
Genomic context (GRCh38, chr20:63,695,333, plus strand): 5'-TGGGAGTGAGCAGCAAAGCCCCAGGCCCCCCTCAGACTCAAGTCTCTGTCTCCAGGCCCC[T>C]CACGGTCCGAGAAGACCGGGAAGACCCAGAGCAAGATCTCGTCCTTCCTTAGACAGAGGC-3'
Protein context (NP_001269938.1, residues 1159-1179): LTHRAPQPGP[Ser1169Pro]RSEKTGKTQS

ClinVar aggregate classification (germline): Uncertain significance. Review status: criteria provided, multiple submitters, no conflicts (2 of 4 stars). 5 submissions from 5 submitters: Uncertain significance (4). 1 of the submissions does not count toward it. Last evaluated 2026-01-08.

Conditions:
Pulmonary fibrosis and/or bone marrow failure, Telomere-related, 3. Also called: PULMONARY FIBROSIS AND/OR BONE MARROW FAILURE SYNDROME, TELOMERE-RELATED, 3. Identifiers: Orphanet 2032, MedGen C4225346, MONDO:0014613, OMIM 616373.
Dyskeratosis congenita, autosomal recessive 5 (DKCB5). Identifiers: MedGen C3554656, MONDO:0014076, OMIM 615190.
Dyskeratosis congenita, autosomal dominant 1 (DKCA1). Also called: Dyskeratosis congenita Scoggins type. Identifiers: Orphanet 1775, MedGen C4551974, MONDO:0007485, OMIM 127550. Inheritance: Variable.
Dyskeratosis congenita. Identifiers: Orphanet 1775, MedGen C0265965, MONDO:0015780.

Allele frequency attached by ClinVar (database versions not stated): ExAC 0.00013; TOPMed 0.00013; gnomAD exomes 0.00016 and 0.00018; gnomAD 0.00017; ESP Exome Variant Server 0.00046.
gnomAD v4.1: 281 of 1,559,370 alleles (0.018%); highest among the groups gnomAD compares: Middle Eastern, 0.12%; no homozygotes.

Submissions (5):

Labcorp Genetics (formerly Invitae), Labcorp
Classification: Uncertain significance for Dyskeratosis congenita, autosomal recessive 5; Pulmonary fibrosis and/or bone marrow failure, Telomere-related, 3. Last evaluated: 2026-01-08. Review status: criteria provided, single submitter. Criteria: Invitae Variant Classification Sherloc (09022015). Collection method: clinical testing. Allele origin: germline.
Comment: This sequence change replaces serine, which is neutral and polar, with proline, which is neutral and non-polar, at codon 1169 of the RTEL1 protein (p.Ser1169Pro). This variant is present in population databases (rs143248833, gnomAD 0.07%). This missense change has been observed in individual(s) with clinical features of RTEL1-related conditions (PMID: 37944684). This variant is also known as NM_032957.4, c.3577T>C (p.Ser1193Pro). ClinVar contains an entry for this variant (Variation ID: 642282). An algorithm developed to predict the effect of missense changes on protein structure and function outputs the following: PolyPhen-2: "Benign". The proline amino acid residue is found in multiple mammalian species, which suggests that this missense change does not adversely affect protein function. In summary, the available evidence is currently insufficient to determine the role of this variant in disease. Therefore, it has been classified as a Variant of Uncertain Significance.

CeGaT Center for Human Genetics Tuebingen
Classification: Uncertain significance. Last evaluated: 2025-04-01. Review status: criteria provided, single submitter. Criteria: CeGaT Center For Human Genetics Tuebingen Variant Classification Criteria Version 2. Collection method: clinical testing. Allele origin: germline. Affected: yes. Observed: 1 variant allele.
Comment: RTEL1: PM2, BP4

Mayo Clinic Laboratories, Mayo Clinic
Classification: Uncertain significance. Last evaluated: 2023-01-03. Review status: criteria provided, single submitter. Criteria: ACMG Guidelines, 2015. Collection method: clinical testing. Allele origin: germline. Observed: 1 variant allele.
Comment: BP4

Sema4
Classification: Uncertain significance for Dyskeratosis congenita. Last evaluated: 2021-05-30. Review status: criteria provided, single submitter. Criteria: Sema4 Curation Guidelines. Collection method: curation. Allele origin: germline.
Comment: The RTEL1 c.3505T>C (p.S1169P) variant has not been reported in the literature to our knowledge. It was observed in 3/6044 chromosomes of the Ashkenazi Jewish subpopulation in the large and broad cohorts of the Genome Aggregation Database. The variant has been reported in ClinVar (Variation ID 642282). In silico tools suggest the impact of the variant on protein function is inconclusive, though these predictions have not been confirmed by functional studies. The evidence is insufficient to meet ACMG/AMP criteria for classifying the variant as benign or pathogenic. Thus, the clinical significance of this variant is currently uncertain.

Natera, Inc.
Classification: Uncertain significance for Autosomal dominant dyskeratosis congenita. Last evaluated: 2020-06-06. Review status: no assertion criteria provided. Collection method: clinical testing. Allele origin: germline. Not counted in ClinVar's aggregate classification.

Literature cited by the submitters: PubMed 37944684 (cited by Labcorp Genetics (formerly Invitae), Labcorp).